The following is an entry in ClinVar:

NM_017849.4(TMEM127):c.690C>G (p.Phe230Leu)

Gene: TMEM127 (transmembrane protein 127; minus strand). Cytogenetic location: 2q11.2.
Variant type: single nucleotide variant.
Coding change: c.690C>G on transcript NM_017849.4 (MANE Select); coding-DNA position 690, C replaced by G.
Protein change: p.Phe230Leu; replaces phenylalanine 230 with leucine.
Molecular consequence: missense variant.
Genome position (GRCh38, 1-based): chr2:96,253,835, G>C on the plus strand (C>G on the coding strand, the complement: TMEM127 is on the minus strand). VCF-style: chr2-96253835-G-C. GRCh37 (hg19) VCF-style: chr2-96919573-G-C.
Other names: c.690C>G, p.Phe230Leu (NM_001193304.3); short protein forms F230L.
Identifiers: ClinVar variation 837449 (VCV000837449.10), dbSNP rs1684140585, ClinGen allele CA347651053.

ClinVar aggregate classification (germline): Uncertain significance. Review status: criteria provided, multiple submitters, no conflicts (2 of 4 stars). 2 submissions from 2 submitters: Uncertain significance (2). Last evaluated 2025-04-25.

Conditions:
Hereditary cancer-predisposing syndrome. Also called: Hereditary Cancer Syndrome; Tumor predisposition; Neoplastic Syndromes, Hereditary; Hereditary neoplastic syndrome. Identifiers: Orphanet 140162, MedGen C0027672, MeSH D009386, MONDO:0015356.
Hereditary pheochromocytoma and paraganglioma. Also called: Hereditary pheochromocytoma-paraganglioma; Hereditary paragangliomas and pheochromocytomas; Hereditary Paraganglioma-Pheochromocytoma Syndromes. Identifiers: Orphanet 29072, MedGen C4274332, MONDO:0017366.

gnomAD v4.1: 1 of 1,612,408 alleles (0.000062%); highest among the groups gnomAD compares: Non-Finnish European, 0.000085%; no homozygotes.

Submissions (2):

Labcorp Genetics (formerly Invitae), Labcorp
Classification: Uncertain significance for Hereditary pheochromocytoma and paraganglioma. Last evaluated: 2025-04-25. Review status: criteria provided, single submitter. Criteria: Invitae Variant Classification Sherloc (09022015). Collection method: clinical testing. Allele origin: germline.
Comment: This sequence change replaces phenylalanine, which is neutral and non-polar, with leucine, which is neutral and non-polar, at codon 230 of the TMEM127 protein (p.Phe230Leu). This variant is not present in population databases (gnomAD no frequency). This variant has not been reported in the literature in individuals affected with TMEM127-related conditions. ClinVar contains an entry for this variant (Variation ID: 837449). An algorithm developed to predict the effect of missense changes on protein structure and function (PolyPhen-2) suggests that this variant is likely to be disruptive. In summary, the available evidence is currently insufficient to determine the role of this variant in disease. Therefore, it has been classified as a Variant of Uncertain Significance.

Ambry Genetics
Classification: Uncertain significance for Hereditary cancer-predisposing syndrome. Last evaluated: 2023-12-08. Review status: criteria provided, single submitter. Criteria: Ambry Variant Classification Scheme 2023. Collection method: clinical testing. Allele origin: germline.
Comment: The p.F230L variant (also known as c.690C>G), located in coding exon 3 of the TMEM127 gene, results from a C to G substitution at nucleotide position 690. The phenylalanine at codon 230 is replaced by leucine, an amino acid with highly similar properties. This amino acid position is conserved. In addition, the in silico prediction for this alteration is inconclusive. Since supporting evidence is limited at this time, the clinical significance of this alteration remains unclear.